The following is an entry in ClinVar:

NM_007373.4(SHOC2):c.1636A>T (p.Met546Leu)

Gene: SHOC2 (SHOC2 leucine rich repeat scaffold protein; plus strand). Cytogenetic location: 10q25.2.
Variant type: single nucleotide variant.
Coding change: c.1636A>T on transcript NM_007373.4 (MANE Select); coding-DNA position 1636, A replaced by T.
Protein change: p.Met546Leu; replaces methionine 546 with leucine.
Molecular consequence: missense variant. On other transcripts: non-coding transcript variant (1).
Genome position (GRCh38, 1-based): chr10:111,011,705, A>T. VCF-style: chr10-111011705-A-T. GRCh37 (hg19) VCF-style: chr10-112771463-A-T.
Other names: c.1498A>T, p.Met500Leu (NM_001269039.3); c.1636A>T, p.Met546Leu (NM_001324336.2, NM_001324337.2); short protein forms M500L, M546L.
Identifiers: ClinVar variation 3441543 (VCV003441543.1).
Genomic context (GRCh38, chr10:111,011,705, plus strand): 5'-GACAACCCCAACCTGCATAGCCTTCCCTTTGAGCTGGCACTCTGCAGCAAGCTTTCAATC[A>T]TGAGTATTGAGAACTGTCCACTCAGTCACCTTCCACCTCAGATTGTTGCTGGGGGGCCTT-3'
Protein context (NP_031399.2, residues 536-556): ELALCSKLSI[Met546Leu]SIENCPLSHL

ClinVar aggregate classification (germline): Uncertain significance (1 of 4 stars; one submission).

Conditions:
Cardiovascular phenotype. Identifiers: MedGen CN230736.

Submission:

Ambry Genetics
Classification: Uncertain significance for Cardiovascular phenotype. Last evaluated: 2024-11-23. Review status: criteria provided, single submitter. Criteria: Ambry Variant Classification Scheme 2023. Collection method: clinical testing. Allele origin: germline.
Comment: The p.M546L variant (also known as c.1636A>T), located in coding exon 8 of the SHOC2 gene, results from an A to T substitution at nucleotide position 1636. The methionine at codon 546 is replaced by leucine, an amino acid with highly similar properties. This amino acid position is conserved. In addition, the in silico prediction for this alteration is inconclusive. Based on the available evidence, the clinical significance of this variant remains unclear.